The following is an entry in ClinVar:

ClinVar aggregate classification (germline): Likely benign (1 of 4 stars; one submission).

Allele frequency attached by ClinVar (database versions not stated): gnomAD 0.00508 and 0.00537; TOPMed 0.00575; 1000 Genomes Project 30x 0.00625; 1000 Genomes Project 0.00659.
gnomAD v4.1: 764 of 152,282 alleles (0.5%); highest among the groups gnomAD compares: African/African-American, 1.7%; 5 homozygotes.

Submission:

GeneDx
Classification: Likely benign. Last evaluated: 2018-06-16. Review status: criteria provided, single submitter. Criteria: GeneDx Variant Classification (06012015). Collection method: clinical testing. Allele origin: germline. Affected: yes.
Comment: This variant is considered likely benign or benign based on one or more of the following criteria: it is a conservative change, it occurs at a poorly conserved position in the protein, it is predicted to be benign by multiple in silico algorithms, and/or has population frequency not consistent with disease.

NM_000152.5(GAA):c.-32-181C>T

Gene: GAA (alpha glucosidase; plus strand). Cytogenetic location: 17q25.3.
Variant type: single nucleotide variant.
Coding change: c.-32-181C>T on transcript NM_000152.5 (MANE Select); 181 bases into the intron before 32 bases upstream of the start codon, C replaced by T.
Molecular consequence: intron variant.
Genome position (GRCh38, 1-based): chr17:80,104,374, C>T. VCF-style: chr17-80104374-C-T. GRCh37 (hg19) VCF-style: chr17-78078173-C-T.
Other names: c.-32-181C>T (NM_001079803.3, NM_001079804.3).
Identifiers: ClinVar variation 677625 (VCV000677625.1), dbSNP rs144604999, ClinGen allele CA294886224.